The following is an entry in ClinVar:

NM_014915.3(ANKRD26):c.1635G>T (p.Gln545His)

Gene: ANKRD26 (ankyrin repeat domain 26; minus strand). Cytogenetic location: 10p12.1.
Variant type: single nucleotide variant.
Coding change: c.1635G>T on transcript NM_014915.3 (MANE Select); coding-DNA position 1635, G replaced by T.
Protein change: p.Gln545His; replaces glutamine 545 with histidine.
Molecular consequence: missense variant.
Genome position (GRCh38, 1-based): chr10:27,053,320, C>A on the plus strand (G>T on the coding strand, the complement: ANKRD26 is on the minus strand). VCF-style: chr10-27053320-C-A. GRCh37 (hg19) VCF-style: chr10-27342249-C-A.
Other names: c.1635G>T, p.Gln545His (NM_001256053.2); short protein forms Q545H.
Identifiers: ClinVar variation 1907522 (VCV001907522.5), dbSNP rs1037752574, ClinGen allele CA376355389.

ClinVar aggregate classification (germline): Uncertain significance (1 of 4 stars; one submission).

gnomAD v4.1: 1 of 1,599,702 alleles (0.000063%); highest among the groups gnomAD compares: Non-Finnish European, 0.000086%; no homozygotes.

Submission:

Labcorp Genetics (formerly Invitae), Labcorp
Classification: Uncertain significance. Last evaluated: 2022-06-12. Review status: criteria provided, single submitter. Criteria: Invitae Variant Classification Sherloc (09022015). Collection method: clinical testing. Allele origin: germline.
Comment: In summary, the available evidence is currently insufficient to determine the role of this variant in disease. Therefore, it has been classified as a Variant of Uncertain Significance. Variants that disrupt the consensus splice site are a relatively common cause of aberrant splicing (PMID: 17576681, 9536098). Algorithms developed to predict the effect of sequence changes on RNA splicing suggest that this variant may disrupt the consensus splice site. Algorithms developed to predict the effect of missense changes on protein structure and function are either unavailable or do not agree on the potential impact of this missense change (SIFT: "Tolerated"; PolyPhen-2: "Possibly Damaging"; Align-GVGD: "Class C0"). This variant has not been reported in the literature in individuals affected with ANKRD26-related conditions. This variant is not present in population databases (gnomAD no frequency). This sequence change replaces glutamine, which is neutral and polar, with histidine, which is basic and polar, at codon 545 of the ANKRD26 protein (p.Gln545His). This variant also falls at the last nucleotide of exon 16, which is part of the consensus splice site for this exon.

Literature cited by the submitters: PubMed 17576681; PubMed 9536098.